The following is an entry in ClinVar:

NM_001378452.1(ITPR1):c.5784C>T (p.Ser1928=)

Gene: ITPR1 (inositol 1,4,5-trisphosphate receptor type 1; plus strand). Cytogenetic location: 3p26.1.
Variant type: single nucleotide variant.
Coding change: c.5784C>T on transcript NM_001378452.1 (MANE Select); coding-DNA position 5784, C replaced by T.
Protein change: p.Ser1928=; no amino-acid change (serine 1928 retained).
Molecular consequence: synonymous variant.
Genome position (GRCh38, 1-based): chr3:4,768,569, C>T. VCF-style: chr3-4768569-C-T. GRCh37 (hg19) VCF-style: chr3-4810253-C-T.
Other names: c.5640C>T, p.Ser1880= (NM_001099952.4); c.5739C>T, p.Ser1913= (NM_001168272.2); c.5595C>T, p.Ser1865= (NM_002222.7).
Identifiers: ClinVar variation 726947 (VCV000726947.21), dbSNP rs553415592, ClinGen allele CA2232422.

ClinVar aggregate classification (germline): Likely benign. Review status: criteria provided, multiple submitters, no conflicts (2 of 4 stars). 2 submissions from 2 submitters: Likely benign (2). Last evaluated 2026-01-28.

Allele frequency attached by ClinVar (database versions not stated): gnomAD 0.00001 and 0.00002; gnomAD exomes 0.00001 and 0.00003; TOPMed 0.00002; ExAC 0.00003; 1000 Genomes Project 30x 0.00016; 1000 Genomes Project 0.00020.
gnomAD v4.1: 22 of 1,613,900 alleles (0.0014%); highest among the groups gnomAD compares: Admixed American, 0.0083%; no homozygotes.

Submissions (2):

Labcorp Genetics (formerly Invitae), Labcorp
Classification: Likely benign. Last evaluated: 2026-01-28. Review status: criteria provided, single submitter. Criteria: Invitae Variant Classification Sherloc (09022015). Collection method: clinical testing. Allele origin: germline.

CeGaT Center for Human Genetics Tuebingen
Classification: Likely benign. Last evaluated: 2025-01-01. Review status: criteria provided, single submitter. Criteria: CeGaT Center For Human Genetics Tuebingen Variant Classification Criteria Version 2. Collection method: clinical testing. Allele origin: germline. Affected: yes. Observed: 1 variant allele.
Comment: ITPR1: BP4, BP7